The following is an entry in ClinVar:

NM_024675.4(PALB2):c.779A>G (p.Gln260Arg)

Gene: PALB2 (partner and localizer of BRCA2; minus strand). Cytogenetic location: 16p12.2.
Variant type: single nucleotide variant.
Coding change: c.779A>G on transcript NM_024675.4 (MANE Select); coding-DNA position 779, A replaced by G.
Protein change: p.Gln260Arg; replaces glutamine 260 with arginine.
Molecular consequence: missense variant.
Genome position (GRCh38, 1-based): chr16:23,635,767, T>C on the plus strand (A>G on the coding strand, the complement: PALB2 is on the minus strand). VCF-style: chr16-23635767-T-C. GRCh37 (hg19) VCF-style: chr16-23647088-T-C.
Other names: short protein forms Q260R.
Identifiers: ClinVar variation 827257 (VCV000827257.12), dbSNP rs1597098293, ClinGen allele CA395136077.

ClinVar aggregate classification (germline): Uncertain significance. Review status: criteria provided, multiple submitters, no conflicts (2 of 4 stars). 3 submissions from 3 submitters: Uncertain significance (3). Last evaluated 2023-05-15.

Conditions:
Hereditary cancer-predisposing syndrome. Also called: Neoplastic Syndromes, Hereditary; Hereditary Cancer Syndrome; Hereditary neoplastic syndrome; Tumor predisposition. Identifiers: Orphanet 140162, MedGen C0027672, MeSH D009386, MONDO:0015356.
Fanconi anemia complementation group N. Also called: PALB2-Related Fanconi Anemia. Identifiers: Orphanet 84, MedGen C1835817, MONDO:0012565, OMIM 610832. Disease mechanism: loss of function.
Familial cancer of breast. Also called: hereditary breast carcinoma; BREAST CANCER, FAMILIAL; Hereditary breast cancer. Identifiers: Orphanet 227535, MedGen C0346153, MONDO:0016419, OMIM 114480. Disease mechanism: loss of function.
Pancreatic cancer, susceptibility to, 3. Identifiers: Orphanet 1333, MedGen C3150547, MONDO:0013236, OMIM 613348.

Submissions (3):

Labcorp Genetics (formerly Invitae), Labcorp
Classification: Uncertain significance for Familial cancer of breast. Last evaluated: 2023-05-15. Review status: criteria provided, single submitter. Criteria: Invitae Variant Classification Sherloc (09022015). Collection method: clinical testing. Allele origin: germline.
Comment: In summary, the available evidence is currently insufficient to determine the role of this variant in disease. Therefore, it has been classified as a Variant of Uncertain Significance. An algorithm developed to predict the effect of missense changes on protein structure and function (PolyPhen-2) suggests that this variant is likely to be disruptive. ClinVar contains an entry for this variant (Variation ID: 827257). This variant has not been reported in the literature in individuals affected with PALB2-related conditions. This variant is not present in population databases (gnomAD no frequency). This sequence change replaces glutamine, which is neutral and polar, with arginine, which is basic and polar, at codon 260 of the PALB2 protein (p.Gln260Arg).

Fulgent Genetics
Classification: Uncertain significance for Familial cancer of breast; Fanconi anemia complementation group N; Pancreatic cancer, susceptibility to, 3. Last evaluated: 2022-03-05. Review status: criteria provided, single submitter. Criteria: ACMG Guidelines, 2015. Collection method: clinical testing. Allele origin: unknown.

Ambry Genetics
Classification: Uncertain significance for Hereditary cancer-predisposing syndrome. Last evaluated: 2018-03-26. Review status: criteria provided, single submitter. Criteria: Ambry Variant Classification Scheme 2023. Collection method: clinical testing. Allele origin: germline.
Comment: The p.Q260R variant (also known as c.779A>G), located in coding exon 4 of the PALB2 gene, results from an A to G substitution at nucleotide position 779. The glutamine at codon 260 is replaced by arginine, an amino acid with highly similar properties. This amino acid position is not well conserved in available vertebrate species. In addition, this alteration is predicted to be tolerated by in silico analysis. Since supporting evidence is limited at this time, the clinical significance of this alteration remains unclear.